The following is an entry in ClinVar:

ClinVar aggregate classification (germline): Uncertain significance (1 of 4 stars; one submission).

Conditions:
Cranioectodermal dysplasia 2 (CED2). Identifiers: Orphanet 1515, MedGen C3150874, MONDO:0013323, OMIM 613610.
Short-rib thoracic dysplasia 7 with or without polydactyly (SRTD7). Also called: Short rib polydactyly syndrome 5; SHORT-RIB THORACIC DYSPLASIA 7 WITH POLYDACTYLY. Identifiers: Orphanet 498497, Orphanet 93271, MedGen C3279792, MONDO:0013569, OMIM 614091.

Allele frequency attached by ClinVar (database versions not stated): ExAC 0.00001; gnomAD 0.00001; gnomAD exomes 0.00001; ESP Exome Variant Server 0.00008.
gnomAD v4.1: 13 of 1,614,098 alleles (0.00081%); highest among the groups gnomAD compares: Middle Eastern, 0.017%; 1 homozygote.

Submission:

Labcorp Genetics (formerly Invitae), Labcorp
Classification: Uncertain significance for Cranioectodermal dysplasia 2; Short-rib thoracic dysplasia 7 with or without polydactyly. Last evaluated: 2025-08-11. Review status: criteria provided, single submitter. Criteria: Invitae Variant Classification Sherloc (09022015). Collection method: clinical testing. Allele origin: germline.
Comment: This sequence change replaces alanine, which is neutral and non-polar, with threonine, which is neutral and polar, at codon 166 of the WDR35 protein (p.Ala166Thr). This variant is present in population databases (rs371419460, gnomAD 0.003%). This variant has not been reported in the literature in individuals affected with WDR35-related conditions. ClinVar contains an entry for this variant (Variation ID: 1903247). Invitae Evidence Modeling of protein sequence and biophysical properties (such as structural, functional, and spatial information, amino acid conservation, physicochemical variation, residue mobility, and thermodynamic stability) indicates that this missense variant is not expected to disrupt WDR35 protein function with a negative predictive value of 95%. In summary, the available evidence is currently insufficient to determine the role of this variant in disease. Therefore, it has been classified as a Variant of Uncertain Significance.

NM_020779.4(WDR35):c.496G>A (p.Ala166Thr)

Gene: WDR35 (WD repeat domain 35; minus strand). Cytogenetic location: 2p24.1.
Variant type: single nucleotide variant.
Coding change: c.496G>A on transcript NM_020779.4 (MANE Select); coding-DNA position 496, G replaced by A.
Protein change: p.Ala166Thr; replaces alanine 166 with threonine.
Molecular consequence: missense variant.
Genome position (GRCh38, 1-based): chr2:19,975,604, C>T on the plus strand (G>A on the coding strand, the complement: WDR35 is on the minus strand). VCF-style: chr2-19975604-C-T. GRCh37 (hg19) VCF-style: chr2-20175365-C-T.
Other names: c.496G>A, p.Ala166Thr (NM_001006657.2); short protein forms A166T.
Identifiers: ClinVar variation 1903247 (VCV001903247.3), dbSNP rs371419460, ClinGen allele CA1543508.
Genomic context (GRCh38, chr2:19,975,604, plus strand): 5'-GATTATCGTAAATGTGTATTTCCCCATTTGCCATTCCAAAAAGTAAGACTTTACTGTCCG[C>T]AGACCATGTTACATGGGATAGCTGTATACCCTTCAGGTCTTTTCCCCAAATACGATTGCC-3'
Protein context (NP_065830.2, residues 156-176): GIQLSHVTWS[Ala166Thr]DSKVLLFGMA